The following is an entry in ClinVar:

NM_005204.4(MAP3K8):c.947C>T (p.Thr316Met)

Gene: MAP3K8 (mitogen-activated protein kinase kinase kinase 8; plus strand). Cytogenetic location: 10p11.23.
Variant type: single nucleotide variant.
Coding change: c.947C>T on transcript NM_005204.4 (MANE Select); coding-DNA position 947, C replaced by T.
Protein change: p.Thr316Met; replaces threonine 316 with methionine.
Molecular consequence: missense variant.
Genome position (GRCh38, 1-based): chr10:30,458,157, C>T. VCF-style: chr10-30458157-C-T. GRCh37 (hg19) VCF-style: chr10-30747086-C-T.
Other names: c.947C>T, p.Thr316Met (NM_001244134.1, NM_001320961.2); short protein forms T316M.
Identifiers: ClinVar variation 1371695 (VCV001371695.7), dbSNP rs546658132, ClinGen allele CA5459764.

ClinVar aggregate classification (germline): Uncertain significance (1 of 4 stars; one submission).

Allele frequency attached by ClinVar (database versions not stated): gnomAD exomes below 0.00001 and 0.00001; ExAC 0.00001; gnomAD 0.00001; TOPMed 0.00001; 1000 Genomes Project 30x 0.00016; 1000 Genomes Project 0.00020.
gnomAD v4.1: 15 of 1,594,748 alleles (0.00094%); highest among the groups gnomAD compares: South Asian, 0.0034%; no homozygotes.

Submission:

Labcorp Genetics (formerly Invitae), Labcorp
Classification: Uncertain significance. Last evaluated: 2025-02-22. Review status: criteria provided, single submitter. Criteria: Invitae Variant Classification Sherloc (09022015). Collection method: clinical testing. Allele origin: germline.
Comment: This sequence change replaces threonine, which is neutral and polar, with methionine, which is neutral and non-polar, at codon 316 of the MAP3K8 protein (p.Thr316Met). The frequency data for this variant in the population databases is considered unreliable, as metrics indicate poor data quality at this position in the gnomAD database. This variant has not been reported in the literature in individuals affected with MAP3K8-related conditions. ClinVar contains an entry for this variant (Variation ID: 1371695). An algorithm developed to predict the effect of missense changes on protein structure and function outputs the following: PolyPhen-2: "Probably Damaging". The methionine amino acid residue is found in multiple mammalian species, which suggests that this missense change does not adversely affect protein function. In summary, the available evidence is currently insufficient to determine the role of this variant in disease. Therefore, it has been classified as a Variant of Uncertain Significance.